The following is an entry in ClinVar:

NM_172107.4(KCNQ2):c.152G>A (p.Gly51Asp)

Gene: KCNQ2 (potassium voltage-gated channel subfamily Q member 2; minus strand). Cytogenetic location: 20q13.33.
Variant type: single nucleotide variant.
Coding change: c.152G>A on transcript NM_172107.4 (MANE Select); coding-DNA position 152, G replaced by A.
Protein change: p.Gly51Asp; replaces glycine 51 with aspartic acid.
Molecular consequence: missense variant.
Genome position (GRCh38, 1-based): chr20:63,472,312, C>T on the plus strand (G>A on the coding strand, the complement: KCNQ2 is on the minus strand). VCF-style: chr20-63472312-C-T. GRCh37 (hg19) VCF-style: chr20-62103665-C-T.
Other names: c.152G>A, p.Gly51Asp (NM_001382235.1, NM_001439003.1, NM_001439004.1 and 4 more transcripts); short protein forms G51D.
Identifiers: ClinVar variation 4886164 (VCV004886164.2).

ClinVar aggregate classification (germline): Uncertain significance (1 of 4 stars; one submission).

Submission:

Dasa
Classification: Uncertain significance. Last evaluated: 2025-02-21. Review status: criteria provided, single submitter. Criteria: DASA Assertion Criteria. Collection method: clinical testing. Allele origin: germline.
Comment: NM_172107.4(KCNQ2):c.152G>A (p.Gly51Asp) is a missense variant that results in the substitution of glycine with aspartic acid. This variant is absent from population databases. The currently available literature and clinical evidence are not sufficient to establish a definitive association between this variant and the reported condition. Therefore, this variant is classified as a variant of uncertain significance.